The following is an entry in ClinVar:

NM_007327.4(GRIN1):c.2013+2T>G

Gene: GRIN1 (glutamate ionotropic receptor NMDA type subunit 1; plus strand). Cytogenetic location: 9q34.3.
Variant type: single nucleotide variant.
Coding change: c.2013+2T>G on transcript NM_007327.4 (MANE Select); the canonical splice donor site of the intron after coding-DNA position 2013, T replaced by G.
Molecular consequence: splice donor variant.
Genome position (GRCh38, 1-based): chr9:137,162,741, T>G. VCF-style: chr9-137162741-T-G. GRCh37 (hg19) VCF-style: chr9-140057193-T-G.
Other names: c.2076+2T>G (NM_001185090.2, NM_001185091.2); c.2013+2T>G (NM_021569.4, NM_000832.7).
Identifiers: ClinVar variation 2033628 (VCV002033628.4), dbSNP rs1588732590, ClinGen allele CA375721543.

ClinVar aggregate classification (germline): Likely pathogenic (1 of 4 stars; one submission).

Conditions:
Neurodevelopmental disorder with or without hyperkinetic movements and seizures, autosomal dominant. Also called: Intellectual disability, autosomal dominant 8. Identifiers: MedGen C3280282, MONDO:0013655, OMIM 614254.

Submission:

Labcorp Genetics (formerly Invitae), Labcorp
Classification: Likely pathogenic for Neurodevelopmental disorder with or without hyperkinetic movements and seizures, autosomal dominant. Last evaluated: 2022-12-02. Review status: criteria provided, single submitter. Criteria: Invitae Variant Classification Sherloc (09022015). Collection method: clinical testing. Allele origin: germline.
Comment: Algorithms developed to predict the effect of sequence changes on RNA splicing suggest that this variant may disrupt the consensus splice site. In summary, the currently available evidence indicates that the variant is pathogenic, but additional data are needed to prove that conclusively. Therefore, this variant has been classified as Likely Pathogenic. This variant has not been reported in the literature in individuals affected with GRIN1-related conditions. This sequence change affects a donor splice site in intron 14 of the GRIN1 gene. It is expected to disrupt RNA splicing. Variants that disrupt the donor or acceptor splice site typically lead to a loss of protein function (PMID: 16199547), and loss-of-function variants in GRIN1 are known to be pathogenic (PMID: 27164704, 35393335). This variant is not present in population databases (gnomAD no frequency).

Literature cited by the submitters: PubMed 16199547; PubMed 27164704; PubMed 35393335.